The following is an entry in ClinVar:

NM_020297.4(ABCC9):c.3201del (p.Leu1068fs)

Gene: ABCC9 (ATP binding cassette subfamily C member 9; minus strand). Cytogenetic location: 12p12.1.
Variant type: Deletion.
Coding change: c.3201del on transcript NM_020297.4 (MANE Select); coding-DNA position 3201, one base deleted (T; older notation c.3201delT).
Protein change: p.Leu1068fs; shifts the reading frame from leucine 1068.
Molecular consequence: frameshift variant.
Genome position (GRCh38, 1-based): chr12:21,844,811, A deleted on the plus strand (T on the coding strand, the reverse complement: ABCC9 is on the minus strand). VCF-style (leftmost placement, unchanged base first): chr12-21844810-GA-G. GRCh37 (hg19) VCF-style: chr12-21997744-GA-G.
Other names: c.3201del, p.Leu1068fs (NM_001377273.1, NM_005691.4); c.2334del, p.Leu779fs (NM_001377274.1); short protein forms L1068fs, L779fs.
Identifiers: ClinVar variation 201622 (VCV000201622.2), dbSNP rs794728958, ClinGen allele CA308211.

ClinVar aggregate classification (germline): Uncertain significance (1 of 4 stars; one submission).

Submission:

GeneDx
Classification: Uncertain significance. Last evaluated: 2014-10-23. Review status: criteria provided, single submitter. Criteria: GeneDx Variant Classification (06012015). Collection method: clinical testing. Allele origin: germline. Affected: yes.
Comment: Although the c.3201delT variant in the ABCC9 gene has not been reported to our knowledge, this mutation causes a shift in reading frame starting at codon Leucine 1068, changing it to a Phenylalanine, and creating a premature stop codon at position 9 of the new reading frame, denoted p.Leu1068PhefsX9. This variant is expected to result in either an abnormal, truncated protein product or loss of protein from this allele through nonsense-mediated mRNA decay. However, while missense variants in this regulatory K-ATP channel subunit result in defective ion channel function and confer susceptibility to dilated cardiomyopathy, haploinsufficiency is not thought to be a mechanism of disease for ABCC9-related cardiomyopathy (Bienengraeber M et al., 2004). Therefore, based on the currently available information, it is unclear whether this variant is a pathogenic mutation or a rare benign variant and is interpreted to be a variant of unknown significance.